The following is an entry in ClinVar:

NM_032776.3(JMJD1C):c.6170C>T (p.Ser2057Phe)

Gene: JMJD1C (jumonji domain containing 1C; minus strand). Cytogenetic location: 10q21.3.
Variant type: single nucleotide variant.
Coding change: c.6170C>T on transcript NM_032776.3 (MANE Select); coding-DNA position 6170, C replaced by T.
Protein change: p.Ser2057Phe; replaces serine 2057 with phenylalanine.
Molecular consequence: missense variant. On other transcripts: non-coding transcript variant (1).
Genome position (GRCh38, 1-based): chr10:63,191,015, G>A on the plus strand (C>T on the coding strand, the complement: JMJD1C is on the minus strand). VCF-style: chr10-63191015-G-A. GRCh37 (hg19) VCF-style: chr10-64950775-G-A.
Other names: c.5624C>T, p.Ser1875Phe (NM_001282948.2, NM_001318154.2); c.5306C>T, p.Ser1769Phe (NM_001318153.2); c.6056C>T, p.Ser2019Phe (NM_001322252.2); c.5513C>T, p.Ser1838Phe (NM_001322254.2, NM_001322258.2); short protein forms S2057F, S1875F, S2019F, S1769F, S1838F.
Identifiers: ClinVar variation 962760 (VCV000962760.10), dbSNP rs780505173, ClinGen allele CA5517925.
Genomic context (GRCh38, chr10:63,191,015, plus strand): 5'-AGCTTTCCAGCTGTTGTAGTCAGCAAATCCCGTAAGGTTGAGCCTTGTTCATTATTCTGG[G>A]ACACAAGAGGTGATGTTCTGCCATTTGGAGATTCAGAGTTGTCTTGTTCTCTTTCTTCTT-3'
Protein context (NP_116165.1, residues 2047-2067): SPNGRTSPLV[Ser2057Phe]QNNEQGSTLR

ClinVar aggregate classification (germline): Uncertain significance (1 of 4 stars; one submission).

Conditions:
Early Myoclonic Encephalopathy. Identifiers: MedGen C0270855.

Allele frequency attached by ClinVar (database versions not stated): ExAC 0.00002; gnomAD exomes 0.00001.
gnomAD v4.1: 9 of 1,614,060 alleles (0.00056%); highest among the groups gnomAD compares: Middle Eastern, 0.017%; no homozygotes.

Submission:

Labcorp Genetics (formerly Invitae), Labcorp
Classification: Uncertain significance for Early Myoclonic Encephalopathy. Last evaluated: 2022-07-25. Review status: criteria provided, single submitter. Criteria: Invitae Variant Classification Sherloc (09022015). Collection method: clinical testing. Allele origin: germline.
Comment: In summary, the available evidence is currently insufficient to determine the role of this variant in disease. Therefore, it has been classified as a Variant of Uncertain Significance. Algorithms developed to predict the effect of sequence changes on RNA splicing suggest that this variant may create or strengthen a splice site. Algorithms developed to predict the effect of missense changes on protein structure and function are either unavailable or do not agree on the potential impact of this missense change (SIFT: "Tolerated"; PolyPhen-2: "Possibly Damaging"; Align-GVGD: "Class C0"). ClinVar contains an entry for this variant (Variation ID: 962760). This variant has not been reported in the literature in individuals affected with JMJD1C-related conditions. This variant is present in population databases (rs780505173, gnomAD 0.002%). This sequence change replaces serine, which is neutral and polar, with phenylalanine, which is neutral and non-polar, at codon 2057 of the JMJD1C protein (p.Ser2057Phe).